The following is an entry in ClinVar:

ClinVar aggregate classification (germline): Pathogenic (1 of 4 stars; one submission).

Conditions:
Meckel-Gruber syndrome. Also called: DYSENCEPHALIA SPLANCHNOCYSTICA; GRUBER SYNDROME; Dysencephalia splachnocystica. Identifiers: Orphanet 564, MedGen C0265215, MONDO:0018921.
Joubert syndrome. Also called: CEREBELLOPARENCHYMAL DISORDER IV; JOUBERT-BOLTSHAUSER SYNDROME; Familial aplasia of the vermis. Identifiers: Orphanet 475, MedGen C5979921, MONDO:0018772.

Submission:

Labcorp Genetics (formerly Invitae), Labcorp
Classification: Pathogenic for Joubert syndrome; Meckel-Gruber syndrome. Last evaluated: 2021-10-10. Review status: criteria provided, single submitter. Criteria: Invitae Variant Classification Sherloc (09022015). Collection method: clinical testing. Allele origin: germline.
Comment: This sequence change creates a premature translational stop signal (p.Phe332Leufs*2) in the TMEM67 gene. It is expected to result in an absent or disrupted protein product. Loss-of-function variants in TMEM67 are known to be pathogenic (PMID: 20232449, 23559409). For these reasons, this variant has been classified as Pathogenic. This variant has not been reported in the literature in individuals affected with TMEM67-related conditions. This variant is not present in population databases (ExAC no frequency).

Literature cited by the submitters: PubMed 20232449; PubMed 23559409.

NM_153704.6(TMEM67):c.996_1014del (p.Phe332fs)

Gene: TMEM67 (transmembrane protein 67; plus strand). Cytogenetic location: 8q22.1.
Variant type: Deletion.
Coding change: c.996_1014del on transcript NM_153704.6 (MANE Select); coding-DNA positions 996 to 1014, 19 bases deleted (TGTTGCTGCTTCCTATGAT).
Protein change: p.Phe332fs; shifts the reading frame from phenylalanine 332.
Molecular consequence: frameshift variant. On other transcripts: non-coding transcript variant (1).
Genome position (GRCh38, 1-based): chr8:93,781,675-93,781,693, TGTTGCTGCTTCCTATGAT deleted; deleting any 19 consecutive bases within chr8:93,781,674-93,781,693 gives the same sequence; the c. name uses the placement nearest the transcript's 3' end. VCF-style (leftmost placement, unchanged base first): chr8-93781673-TTTGTTGCTGCTTCCTATGA-T. GRCh37 (hg19) VCF-style: chr8-94793901-TTTGTTGCTGCTTCCTATGA-T.
Other names: c.753_771del, p.Phe251fs (NM_001142301.1); short protein forms F332fs, F251fs.
Identifiers: ClinVar variation 1454745 (VCV001454745.6), dbSNP rs2130668581, ClinGen allele CA2573143465.
Genomic context (GRCh38, chr8:93,781,673, plus strand): 5'-ACTTTCAGAGTATTTGACCTGATTTTGCTCGTTTTCTTTAATCAGAATACAAAACTGAAG[TTTGTTGCTGCTTCCTATGA>T]TATAAGAGGAAATTTTCTCAAGTGGCAAACTTTAGAAGGAGGTGTTTTACAGGTAAGCAT-3'